The following is an entry in ClinVar:

NM_000103.4(CYP19A1):c.230A>G (p.Tyr77Cys)

Genes: PIRC66 (piwi-interacting RNA cluster 66; plus strand), CYP19A1 (cytochrome P450 family 19 subfamily A member 1; minus strand), MIR4713HG (MIR4713 host gene; plus strand). Cytogenetic location: 15q21.2.
Variant type: single nucleotide variant.
Coding change: c.230A>G on transcript NM_000103.4 (MANE Select); coding-DNA position 230, A replaced by G.
Protein change: p.Tyr77Cys; replaces tyrosine 77 with cysteine.
Molecular consequence: missense variant.
Genome position (GRCh38, 1-based): chr15:51,236,925, T>C on the plus strand (A>G on the coding strand, the complement: CYP19A1 is on the minus strand). VCF-style: chr15-51236925-T-C. GRCh37 (hg19) VCF-style: chr15-51529122-T-C.
Other names: c.230A>G, p.Tyr77Cys (NM_001347248.1, NM_001347249.2, NM_001347250.2 and 7 more transcripts); short protein forms Y77C.
Identifiers: ClinVar variation 373728 (VCV000373728.1), dbSNP rs772620133, ClinGen allele CA7560133.

ClinVar aggregate classification (germline): Uncertain significance (1 of 4 stars; one submission).

Allele frequency attached by ClinVar (database versions not stated): gnomAD exomes below 0.00001; ExAC 0.00001.
gnomAD v4.1: 1 of 1,614,188 alleles (0.000062%); highest among the groups gnomAD compares: Non-Finnish European, 0.000085%; no homozygotes.

Submission:

GeneDx
Classification: Uncertain significance. Last evaluated: 2016-11-29. Review status: criteria provided, single submitter. Criteria: GeneDx Variant Classification (06012015). Collection method: clinical testing. Allele origin: germline. Affected: yes.
Comment: The Y77C variant has not been published as a pathogenic variant, nor has it been reported as a benign variant to our knowledge. The variant was not observed in approximately 6,500 individuals of European and African American ancestry in the NHLBI Exome Sequencing Project, indicating it is not a common benign variant in these populations. Y77C variant is a non-conservative amino acid substitution, which is likely to impact secondary protein structure as these residues differ in polarity, charge, size and/or other properties. This substitution occurs at a position that is conserved across species, and in silico analysis predicts this variant is probably damaging to the protein structure/function. Therefore, based on the currently available information, it is unclear whether this variant is a pathogenic variant or a rare benign variant.